The following is an entry in ClinVar:

ClinVar aggregate classification (germline): Uncertain significance (1 of 4 stars; one submission).

gnomAD v4.1: 16 of 1,560,712 alleles (0.001%); highest among the groups gnomAD compares: African/African-American, 0.0055%; no homozygotes.

Submission:

Labcorp Genetics (formerly Invitae), Labcorp
Classification: Uncertain significance. Last evaluated: 2025-12-29. Review status: criteria provided, single submitter. Criteria: Invitae Variant Classification Sherloc (09022015). Collection method: clinical testing. Allele origin: germline.
Comment: This sequence change replaces glycine, which is neutral and non-polar, with serine, which is neutral and polar, at codon 773 of the COL18A1 protein (p.Gly773Ser). The frequency data for this variant in the population databases is considered unreliable, as metrics indicate poor data quality at this position in the gnomAD database. This variant has not been reported in the literature in individuals affected with COL18A1-related conditions. Experimental studies and prediction algorithms are not available or were not evaluated, and the functional significance of this variant is currently unknown. In summary, the available evidence is currently insufficient to determine the role of this variant in disease. Therefore, it has been classified as a Variant of Uncertain Significance.

NM_001379500.1(COL18A1):c.2317G>A (p.Gly773Ser)

Gene: COL18A1 (collagen type XVIII alpha 1 chain; plus strand). Cytogenetic location: 21q22.3.
Variant type: single nucleotide variant.
Coding change: c.2317G>A on transcript NM_001379500.1 (MANE Select); coding-DNA position 2317, G replaced by A.
Protein change: p.Gly773Ser; replaces glycine 773 with serine.
Molecular consequence: missense variant.
Genome position (GRCh38, 1-based): chr21:45,493,540, G>A. VCF-style: chr21-45493540-G-A. GRCh37 (hg19) VCF-style: chr21-46913454-G-A.
Other names: c.2857G>A, p.Gly953Ser (NM_030582.4); c.3562G>A, p.Gly1188Ser (NM_130444.3); short protein forms G1188S, G773S, G953S.
Identifiers: ClinVar variation 4798144 (VCV004798144.1).